The following is an entry in ClinVar:

ClinVar aggregate classification (germline): Pathogenic (1 of 4 stars; one submission).

Conditions:
Juvenile polyposis syndrome (JPS). Identifiers: Orphanet 2929, MedGen C0345893, MONDO:0017380, OMIM 174900.

Submission:

Labcorp Genetics (formerly Invitae), Labcorp
Classification: Pathogenic for Juvenile polyposis syndrome. Last evaluated: 2023-06-02. Review status: criteria provided, single submitter. Criteria: Invitae Variant Classification Sherloc (09022015). Collection method: clinical testing. Allele origin: unknown.
Comment: For these reasons, this variant has been classified as Pathogenic. This variant has not been reported in the literature in individuals affected with BMPR1A-related conditions. This variant is a gross deletion of the genomic region encompassing exon(s) 11 of the BMPR1A gene. This deletion is out-of-frame, and is expected to create a premature termination codon and result in an absent or disrupted protein product. Loss-of-function variants in BMPR1A are known to be pathogenic (PMID: 11536076, 12417513).

Literature cited by the submitters: PubMed 11536076; PubMed 12417513.

NC_000010.10:g.(?_88681437)_(88682621_?)del

Gene: BMPR1A (bone morphogenetic protein receptor type 1A; plus strand). Cytogenetic location: 10q23.2.
Variant type: Deletion.
Identifiers: ClinVar variation 3244823 (VCV003244823.1).